The following is an entry in ClinVar:

NM_006493.4(CLN5):c.-96C>G

Gene: CLN5 (CLN5 lysosomal BMP synthase; plus strand). Cytogenetic location: 13q22.3.
Variant type: single nucleotide variant.
Coding change: c.-96C>G on transcript NM_006493.4 (MANE Select); 96 bases upstream of the start codon, C replaced by G.
Genome position (GRCh38, 1-based): chr13:76,992,003, C>G. VCF-style: chr13-76992003-C-G. GRCh37 (hg19) VCF-style: chr13-77566138-C-G.
Identifiers: ClinVar variation 962497 (VCV000962497.11), dbSNP rs773979248, ClinGen allele CA388305793.

ClinVar aggregate classification (germline): Uncertain significance. Review status: criteria provided, multiple submitters, no conflicts (2 of 4 stars). 4 submissions from 4 submitters: Uncertain significance (3). 1 of the submissions does not count toward it. Last evaluated 2025-01-22.

Conditions:
Inborn genetic diseases. Identifiers: MedGen C0950123, MeSH D030342.
Neuronal ceroid lipofuscinosis. Also called: Neuronal Ceroid Lipofuscinoses. Identifiers: Orphanet 216, Orphanet 79263, MedGen C0027877, MONDO:0016295. Disease mechanism: loss of function.

Allele frequency attached by ClinVar (database versions not stated): TOPMed 0.00002.

Submissions (4):

Ambry Genetics
Classification: Uncertain significance for Inborn genetic diseases. Last evaluated: 2025-01-22. Review status: criteria provided, single submitter. Criteria: Ambry Variant Classification Scheme 2023. Collection method: clinical testing. Allele origin: germline.

Labcorp Genetics (formerly Invitae), Labcorp
Classification: Uncertain significance for Neuronal ceroid lipofuscinosis. Last evaluated: 2022-09-13. Review status: criteria provided, single submitter. Criteria: Invitae Variant Classification Sherloc (09022015). Collection method: clinical testing. Allele origin: germline.
Comment: This sequence change replaces glutamine, which is neutral and polar, with glutamic acid, which is acidic and polar, at codon 18 of the CLN5 protein (p.Gln18Glu). This variant is present in population databases (no rsID available, gnomAD 0.01%). This variant has not been reported in the literature in individuals affected with CLN5-related conditions. ClinVar contains an entry for this variant (Variation ID: 962497). Algorithms developed to predict the effect of missense changes on protein structure and function are either unavailable or do not agree on the potential impact of this missense change (SIFT: "Deleterious"; PolyPhen-2: "Benign"; Align-GVGD: "Class C0"). In summary, the available evidence is currently insufficient to determine the role of this variant in disease. Therefore, it has been classified as a Variant of Uncertain Significance.

GeneDx
Classification: Uncertain significance. Last evaluated: 2019-07-17. Review status: criteria provided, single submitter. Criteria: GeneDx Variant Classification Process June 2021. Collection method: clinical testing. Allele origin: germline. Affected: yes.
Comment: Not observed at a significant frequency in large population cohorts (Lek et al., 2016); In silico analysis, which includes protein predictors and evolutionary conservation, supports that this variant does not alter protein structure/function; Has not been previously published as pathogenic or benign to our knowledge

Natera, Inc.
Classification: Uncertain significance for Neuronal ceroid lipofuscinosis. Last evaluated: 2020-06-03. Review status: no assertion criteria provided. Collection method: clinical testing. Allele origin: germline. Not counted in ClinVar's aggregate classification.